The following is an entry in ClinVar:

NM_080680.3(COL11A2):c.2690C>T (p.Pro897Leu)

Gene: COL11A2 (collagen type XI alpha 2 chain; minus strand). Cytogenetic location: 6p21.32.
Variant type: single nucleotide variant.
Coding change: c.2690C>T on transcript NM_080680.3 (MANE Select); coding-DNA position 2690, C replaced by T.
Protein change: p.Pro897Leu; replaces proline 897 with leucine.
Molecular consequence: missense variant.
Genome position (GRCh38, 1-based): chr6:33,173,394, G>A on the plus strand (C>T on the coding strand, the complement: COL11A2 is on the minus strand). VCF-style: chr6-33173394-G-A. GRCh37 (hg19) VCF-style: chr6-33141171-G-A.
Other names: c.2369C>T, p.Pro790Leu (NM_080679.3); c.2432C>T, p.Pro811Leu (NM_080681.3); short protein forms P811L, P897L, P790L.
Identifiers: ClinVar variation 1950884 (VCV001950884.2), dbSNP rs1361214393, ClinGen allele CA363641122.

ClinVar aggregate classification (germline): Uncertain significance (1 of 4 stars; one submission).

Allele frequency attached by ClinVar (database versions not stated): TOPMed below 0.00001; gnomAD 0.00001.
gnomAD v4.1: 1 of 1,609,586 alleles (0.000062%); highest among the groups gnomAD compares: Non-Finnish European, 0.000085%; no homozygotes.

Submission:

Labcorp Genetics (formerly Invitae), Labcorp
Classification: Uncertain significance. Last evaluated: 2022-08-24. Review status: criteria provided, single submitter. Criteria: Invitae Variant Classification Sherloc (09022015). Collection method: clinical testing. Allele origin: germline.
Comment: This sequence change replaces proline, which is neutral and non-polar, with leucine, which is neutral and non-polar, at codon 897 of the COL11A2 protein (p.Pro897Leu). This variant is not present in population databases (gnomAD no frequency). This variant has not been reported in the literature in individuals affected with COL11A2-related conditions. Advanced modeling of protein sequence and biophysical properties (such as structural, functional, and spatial information, amino acid conservation, physicochemical variation, residue mobility, and thermodynamic stability) performed at Invitae indicates that this missense variant is not expected to disrupt COL11A2 protein function. In summary, the available evidence is currently insufficient to determine the role of this variant in disease. Therefore, it has been classified as a Variant of Uncertain Significance.